The following is an entry in ClinVar:

ClinVar aggregate classification (germline): Likely benign. Review status: criteria provided, multiple submitters, no conflicts (2 of 4 stars). 2 submissions from 2 submitters: Likely benign (2). Last evaluated 2021-05-19.

Conditions:
Autosomal recessive ataxia due to ubiquinone deficiency. Also called: SPINOCEREBELLAR ATAXIA, AUTOSOMAL RECESSIVE 9; Coenzyme Q10 deficiency, primary, 4. Identifiers: Orphanet 139485, MedGen C2677589, MONDO:0012784, OMIM 612016.

Allele frequency attached by ClinVar (database versions not stated): 1000 Genomes Project 0.00419; 1000 Genomes Project 30x 0.00468; TOPMed 0.00643.

Submissions (2):

GeneDx
Classification: Likely benign. Last evaluated: 2021-05-19. Review status: criteria provided, single submitter. Criteria: GeneDx Variant Classification Process June 2021. Collection method: clinical testing. Allele origin: germline. Affected: yes.

Illumina Laboratory Services, Illumina
Classification: Likely benign for Autosomal recessive ataxia due to ubiquinone deficiency. Last evaluated: 2018-01-12. Review status: criteria provided, single submitter. Criteria: ICSL Variant Classification Criteria 13 December 2019. Collection method: clinical testing. Allele origin: germline.
Comment: This variant was observed in the ICSL laboratory as part of a predisposition screen in an ostensibly healthy population. It had not been previously curated by ICSL or reported in the Human Gene Mutation Database (HGMD: prior to June 1st, 2018), and was therefore a candidate for classification through an automated scoring system. Utilizing variant allele frequency, disease prevalence and penetrance estimates, and inheritance mode, an automated score was calculated to assess if this variant is too frequent to cause the disease. Based on the score and internal cut-off values, a variant classified as likely benign is not then subjected to further curation. The score for this variant resulted in a classification of likely benign for this disease.

NM_020247.5(COQ8A):c.*761G>A

Gene: COQ8A (coenzyme Q8A; plus strand). Cytogenetic location: 1q42.13.
Variant type: single nucleotide variant.
Coding change: c.*761G>A on transcript NM_020247.5 (MANE Select); 761 bases downstream of the stop codon, G replaced by A.
Molecular consequence: 3 prime UTR variant.
Genome position (GRCh38, 1-based): chr1:226,987,498, G>A. VCF-style: chr1-226987498-G-A. GRCh37 (hg19) VCF-style: chr1-227175199-G-A.
Identifiers: ClinVar variation 296048 (VCV000296048.7), dbSNP rs145779574, ClinGen allele CA10609416.